The following is an entry in ClinVar:

NM_001395294.1(FAM149A):c.1474A>G (p.Lys492Glu)

Gene: FAM149A (family with sequence similarity 149 member A; plus strand). Cytogenetic location: 4q35.1.
Variant type: single nucleotide variant.
Coding change: c.1474A>G on transcript NM_001395294.1 (MANE Select); coding-DNA position 1474, A replaced by G.
Protein change: p.Lys492Glu; replaces lysine 492 with glutamic acid.
Molecular consequence: missense variant.
Genome position (GRCh38, 1-based): chr4:186,157,591, A>G. VCF-style: chr4-186157591-A-G. GRCh37 (hg19) VCF-style: chr4-187078745-A-G.
Other names: c.601A>G, p.Lys201Glu (NM_001006655.3, NM_001350178.1, NM_001350179.1 and 1 more transcripts); c.1447A>G, p.Lys483Glu (NM_001367768.3); short protein forms K201E, K483E, K492E.
Identifiers: ClinVar variation 2655216 (VCV002655216.24), dbSNP rs113168248, ClinGen allele CA3161924.

ClinVar aggregate classification (germline): Likely benign (1 of 4 stars; one submission).

Allele frequency attached by ClinVar (database versions not stated): 1000 Genomes Project 30x 0.00219; 1000 Genomes Project 0.00220; TOPMed 0.00441; gnomAD 0.00494; ESP Exome Variant Server 0.00523; ExAC 0.00558; gnomAD exomes 0.00724.
gnomAD v4.1: 11,189 of 1,614,150 alleles (0.69%); highest among the groups gnomAD compares: Non-Finnish European, 0.84%; 53 homozygotes.

Submission:

CeGaT Center for Human Genetics Tuebingen
Classification: Likely benign. Last evaluated: 2023-08-01. Review status: criteria provided, single submitter. Criteria: CeGaT Center For Human Genetics Tuebingen Variant Classification Criteria Version 2. Collection method: clinical testing. Allele origin: germline. Affected: yes. Observed: 1 variant allele.
Comment: FAM149A: BP4, BS2